The following is an entry in ClinVar:

ClinVar aggregate classification (germline): Uncertain significance. Review status: criteria provided, multiple submitters, no conflicts (2 of 4 stars). 2 submissions from 2 submitters: Uncertain significance (2). Last evaluated 2025-11-27.

Conditions:
Familial thoracic aortic aneurysm and aortic dissection (TAAD). Also called: Thoracic aortic aneurysms and dissections. Identifiers: Orphanet 91387, MedGen C4707243, MONDO:0019625.
Adams-Oliver syndrome 5 (AOS5). Identifiers: Orphanet 974, MedGen C4014970, MONDO:0014459, OMIM 616028.

Submissions (2):

Labcorp Genetics (formerly Invitae), Labcorp
Classification: Uncertain significance for Adams-Oliver syndrome 5. Last evaluated: 2025-11-27. Review status: criteria provided, single submitter. Criteria: Invitae Variant Classification Sherloc (09022015). Collection method: clinical testing. Allele origin: germline.
Comment: This sequence change replaces phenylalanine, which is neutral and non-polar, with leucine, which is neutral and non-polar, at codon 1773 of the NOTCH1 protein (p.Phe1773Leu). This variant is not present in population databases (gnomAD no frequency). This variant has not been reported in the literature in individuals affected with NOTCH1-related conditions. ClinVar contains an entry for this variant (Variation ID: 3921051). Invitae Evidence Modeling of protein sequence and biophysical properties (such as structural, functional, and spatial information, amino acid conservation, physicochemical variation, residue mobility, and thermodynamic stability) indicates that this missense variant is not expected to disrupt NOTCH1 protein function with a negative predictive value of 80%. In summary, the available evidence is currently insufficient to determine the role of this variant in disease. Therefore, it has been classified as a Variant of Uncertain Significance.

Ambry Genetics
Classification: Uncertain significance for Familial thoracic aortic aneurysm and aortic dissection. Last evaluated: 2025-04-22. Review status: criteria provided, single submitter. Criteria: Ambry Variant Classification Scheme 2023. Collection method: clinical testing. Allele origin: germline.
Comment: The p.F1773L variant (also known as c.5317T>C), located in coding exon 28 of the NOTCH1 gene, results from a T to C substitution at nucleotide position 5317. The phenylalanine at codon 1773 is replaced by leucine, an amino acid with highly similar properties. This amino acid position is highly conserved in available vertebrate species. In addition, this alteration is predicted to be deleterious by in silico analysis. Based on the available evidence, the clinical significance of this variant remains unclear.

NM_017617.5(NOTCH1):c.5317T>C (p.Phe1773Leu)

Gene: NOTCH1 (notch receptor 1; minus strand). Cytogenetic location: 9q34.3.
Variant type: single nucleotide variant.
Coding change: c.5317T>C on transcript NM_017617.5 (MANE Select); coding-DNA position 5317, T replaced by C.
Protein change: p.Phe1773Leu; replaces phenylalanine 1773 with leucine.
Molecular consequence: missense variant.
Genome position (GRCh38, 1-based): chr9:136,502,339, A>G on the plus strand (T>C on the coding strand, the complement: NOTCH1 is on the minus strand). VCF-style: chr9-136502339-A-G. GRCh37 (hg19) VCF-style: chr9-139396791-A-G.
Other names: short protein forms F1773L.
Identifiers: ClinVar variation 3921051 (VCV003921051.2).
Genomic context (GRCh38, chr9:136,502,339, plus strand): 5'-CCACGGAGTCCTCGCCGAGGGGCTCCCGCCGCTTCTTCTTGCTGGCCTCAGACACTTTGA[A>G]GCCCTCAGGGAACCAGAGCTGGCCATGCTGCCGCCGGCGCTTGCGGGACAGCAGCACCCC-3'
Protein context (NP_060087.3, residues 1763-1783): QHGQLWFPEG[Phe1773Leu]KVSEASKKKR